The following is an entry in ClinVar:

NM_001605.3(AARS1):c.2000A>G (p.Tyr667Cys)

Gene: AARS1 (alanyl-tRNA synthetase 1; minus strand). Cytogenetic location: 16q22.1.
Variant type: single nucleotide variant.
Coding change: c.2000A>G on transcript NM_001605.3 (MANE Select); coding-DNA position 2000, A replaced by G.
Protein change: p.Tyr667Cys; replaces tyrosine 667 with cysteine.
Molecular consequence: missense variant.
Genome position (GRCh38, 1-based): chr16:70,258,210, T>C on the plus strand (A>G on the coding strand, the complement: AARS1 is on the minus strand). VCF-style: chr16-70258210-T-C. GRCh37 (hg19) VCF-style: chr16-70292113-T-C.
Other names: short protein forms Y667C.
Identifiers: ClinVar variation 3679952 (VCV003679952.2).

ClinVar aggregate classification (germline): Uncertain significance (1 of 4 stars; one submission).

Conditions:
Charcot-Marie-Tooth disease type 2. Also called: Charcot-Marie-Tooth type 2. Identifiers: Orphanet 64746, MedGen C0270914, MONDO:0018993.

Submission:

Labcorp Genetics (formerly Invitae), Labcorp
Classification: Uncertain significance for Charcot-Marie-Tooth disease type 2. Last evaluated: 2025-05-07. Review status: criteria provided, single submitter. Criteria: Invitae Variant Classification Sherloc (09022015). Collection method: clinical testing. Allele origin: germline.
Comment: This sequence change replaces tyrosine, which is neutral and polar, with cysteine, which is neutral and slightly polar, at codon 667 of the AARS protein (p.Tyr667Cys). This variant is not present in population databases (gnomAD no frequency). This variant has not been reported in the literature in individuals affected with AARS-related conditions. ClinVar contains an entry for this variant (Variation ID: 3679952). Invitae Evidence Modeling of protein sequence and biophysical properties (such as structural, functional, and spatial information, amino acid conservation, physicochemical variation, residue mobility, and thermodynamic stability) has been performed for this missense variant. However, the output from this modeling did not meet the statistical confidence thresholds required to predict the impact of this variant on AARS protein function. In summary, the available evidence is currently insufficient to determine the role of this variant in disease. Therefore, it has been classified as a Variant of Uncertain Significance.